The following is an entry in ClinVar:

NM_000540.3(RYR1):c.13798G>T (p.Asp4600Tyr)

Gene: RYR1 (ryanodine receptor 1; plus strand). Cytogenetic location: 19q13.2.
Variant type: single nucleotide variant.
Coding change: c.13798G>T on transcript NM_000540.3 (MANE Select); coding-DNA position 13798, G replaced by T.
Protein change: p.Asp4600Tyr; replaces aspartic acid 4600 with tyrosine.
Molecular consequence: missense variant.
Genome position (GRCh38, 1-based): chr19:38,572,070, G>T. VCF-style: chr19-38572070-G-T. GRCh37 (hg19) VCF-style: chr19-39062710-G-T.
Other names: c.13783G>T, p.Asp4595Tyr (NM_001042723.2); short protein forms D4600Y, D4595Y.
Identifiers: ClinVar variation 5005988 (VCV005005988.2).

ClinVar aggregate classification (germline): Uncertain significance (1 of 4 stars; one submission).

Conditions:
Congenital multicore myopathy with external ophthalmoplegia (CMYO1B). Also called: MULTIMINICORE DISEASE WITH EXTERNAL OPHTHALMOPLEGIA; Minicore myopathy with external ophthalmoplegia; Congenital myopathy 1B, autosomal recessive; Minicore myopathy; MULTICORE MYOPATHY. Identifiers: Orphanet 598, Orphanet 98905, MedGen C1850674, MONDO:0009712, OMIM 255320, HP:0003789.
Central core myopathy (CMYO1A). Also called: CONGENITAL MYOPATHY 1A, AUTOSOMAL DOMINANT, WITH SUSCEPTIBILITY TO MALIGNANT HYPERTHERMIA; Central core disease; Myopathy, central fibrillar. Identifiers: Orphanet 597, MedGen C5830701, MONDO:0007294, OMIM 117000.
King Denborough syndrome (KDS). Identifiers: MedGen C1840365, MONDO:0020485, OMIM 619542.
Malignant hyperthermia, susceptibility to, 1 (MHS1). Also called: Malignant hyperthermia suceptibility 1; Anesthesia related hyperthermia; Malignant hyperpyrexia; Fulminating hyperpyrexia; Pharmacogenic myopathy; RYR1-Related Malignant Hyperthermia Susceptibility. Identifiers: Orphanet 423, MedGen C2930980, MONDO:0007783, OMIM 145600.

Submission:

Juno Genomics, Hangzhou Juno Genomics, Inc
Classification: Uncertain significance for Central core myopathy; Congenital multicore myopathy with external ophthalmoplegia; Malignant hyperthermia, susceptibility to, 1; King Denborough syndrome. Review status: criteria provided, single submitter. Criteria: ACMG Guidelines, 2015. Collection method: clinical testing. Allele origin: germline.
Comment: Missense variant in a gene that has a low rate of benign missense variation.;Multiple lines of computational evidence support a deleterious effect on the gene or gene product.;Absent from controls (or at extremely low frequency if recessive) in Genome Aggregation Database.